The following is an entry in ClinVar:

ClinVar aggregate classification (germline): Uncertain significance. Review status: criteria provided, multiple submitters, no conflicts (2 of 4 stars). 3 submissions from 3 submitters: Uncertain significance (2). 1 of the submissions does not count toward it. Last evaluated 2022-11-15.

Conditions:
distinct bent bone dysplasia.

Allele frequency attached by ClinVar (database versions not stated): gnomAD exomes 0.00003 and 0.00007; gnomAD 0.00004; TOPMed 0.00005; ExAC 0.00007; ESP Exome Variant Server 0.00016.
gnomAD v4.1: 103 of 1,505,496 alleles (0.0068%); highest among the groups gnomAD compares: Non-Finnish European, 0.0078%; no homozygotes.

Submissions (3):

Labcorp Genetics (formerly Invitae), Labcorp
Classification: Uncertain significance. Last evaluated: 2022-11-15. Review status: criteria provided, single submitter. Criteria: Invitae Variant Classification Sherloc (09022015). Collection method: clinical testing. Allele origin: germline.
Comment: This sequence change replaces arginine, which is basic and polar, with cysteine, which is neutral and slightly polar, at codon 2050 of the LAMA5 protein (p.Arg2050Cys). In summary, the available evidence is currently insufficient to determine the role of this variant in disease. Therefore, it has been classified as a Variant of Uncertain Significance. Algorithms developed to predict the effect of missense changes on protein structure and function are either unavailable or do not agree on the potential impact of this missense change (SIFT: "Deleterious"; PolyPhen-2: "Benign"; Align-GVGD: "Class C0"). ClinVar contains an entry for this variant (Variation ID: 1184837). This variant has not been reported in the literature in individuals affected with LAMA5-related conditions. The frequency data for this variant in the population databases is considered unreliable, as metrics indicate poor data quality at this position in the gnomAD database.

Breakthrough Genomics
Classification: Uncertain significance. Review status: criteria provided, single submitter. Criteria: ACMG Guidelines, 2015. Collection method: not provided. Allele origin: germline. Inheritance: Autosomal dominant inheritance. Affected: yes.

University of Washington Center for Mendelian Genomics, University of Washington
Classification: Likely pathogenic for distinct bent bone dysplasia. Review status: no assertion criteria provided. Collection method: research. Allele origin: maternal. Affected: yes. Not counted in ClinVar's aggregate classification.

Literature cited by the submitters: PubMed 33242826 (cited by University of Washington Center for Mendelian Genomics, University of Washington).

NM_005560.6(LAMA5):c.6148C>T (p.Arg2050Cys)

Gene: LAMA5 (laminin subunit alpha 5; minus strand). Cytogenetic location: 20q13.33.
Variant type: single nucleotide variant.
Coding change: c.6148C>T on transcript NM_005560.6 (MANE Select); coding-DNA position 6148, C replaced by T.
Protein change: p.Arg2050Cys; replaces arginine 2050 with cysteine.
Molecular consequence: missense variant.
Genome position (GRCh38, 1-based): chr20:62,322,675, G>A on the plus strand (C>T on the coding strand, the complement: LAMA5 is on the minus strand). VCF-style: chr20-62322675-G-A. GRCh37 (hg19) VCF-style: chr20-60897731-G-A.
Other names: short protein forms R2050C.
Identifiers: ClinVar variation 1184837 (VCV001184837.8), dbSNP rs377244239, ClinGen allele CA9941874.